The following is an entry in ClinVar:

ClinVar aggregate classification (germline): Benign (1 of 4 stars; one submission).

gnomAD v4.1: 63,383 of 152,092 alleles (42%); highest among the groups gnomAD compares: African/African-American, 72%; 15,936 homozygotes.

Submission:

Unidad de Genómica Garrahan, Hospital de Pediatría Garrahan
Classification: Benign. Last evaluated: 2024-07-31. Review status: criteria provided, single submitter. Criteria: ACMG Guidelines, 2015. Collection method: clinical testing. Allele origin: germline. Affected: no. Observed: 46 variant alleles.
Comment: This variant is classified as Benign based on local population frequency. This variant was detected in 49% of patients studied in a panel designed for Epileptic and Developmental Encephalopathy, Progressive Myoclonus Epilepsy and Abnormal Movements and Neurodegeneration with brain iron accumulation. Number of patients: 46. Only high quality variants are reported.

NM_016373.4(WWOX):c.1056+141447T>C

Gene: WWOX (WW domain containing oxidoreductase; plus strand). Cytogenetic location: 16q23.1.
Variant type: single nucleotide variant.
Coding change: c.1056+141447T>C on transcript NM_016373.4 (MANE Select); 141447 bases into the intron after coding-DNA position 1056, T replaced by C.
Molecular consequence: intron variant.
Genome position (GRCh38, 1-based): chr16:78,574,199, T>C. VCF-style: chr16-78574199-T-C. GRCh37 (hg19) VCF-style: chr16-78608096-T-C.
Other names: c.717+141447T>C (NM_001291997.2).
Identifiers: ClinVar variation 3256804 (VCV003256804.2).